The following is an entry in ClinVar:

ClinVar aggregate classification (germline): Uncertain significance (1 of 4 stars; one submission).

Conditions:
DICER1-related tumor predisposition. Also called: DICER1-related pleuropulmonary blastoma cancer predisposition syndrome; DICER1 syndrome. Identifiers: Orphanet 284343, MedGen C3839822, MONDO:0100216.

Submission:

Labcorp Genetics (formerly Invitae), Labcorp
Classification: Uncertain significance for DICER1-related tumor predisposition. Last evaluated: 2024-03-28. Review status: criteria provided, single submitter. Criteria: Invitae Variant Classification Sherloc (09022015). Collection method: clinical testing. Allele origin: germline.
Comment: This sequence change replaces histidine, which is basic and polar, with glutamine, which is neutral and polar, at codon 1719 of the DICER1 protein (p.His1719Gln). This variant is not present in population databases (gnomAD no frequency). This variant has not been reported in the literature in individuals affected with DICER1-related conditions. ClinVar contains an entry for this variant (Variation ID: 970510). Advanced modeling of protein sequence and biophysical properties (such as structural, functional, and spatial information, amino acid conservation, physicochemical variation, residue mobility, and thermodynamic stability) performed at Invitae indicates that this missense variant is expected to disrupt DICER1 protein function with a positive predictive value of 80%. In summary, the available evidence is currently insufficient to determine the role of this variant in disease. Therefore, it has been classified as a Variant of Uncertain Significance.

NM_177438.3(DICER1):c.5157C>G (p.His1719Gln)

Gene: DICER1 (dicer 1, ribonuclease III; minus strand). Cytogenetic location: 14q32.13.
Variant type: single nucleotide variant.
Coding change: c.5157C>G on transcript NM_177438.3 (MANE Select); coding-DNA position 5157, C replaced by G.
Protein change: p.His1719Gln; replaces histidine 1719 with glutamine.
Molecular consequence: missense variant.
Genome position (GRCh38, 1-based): chr14:95,094,095, G>C on the plus strand (C>G on the coding strand, the complement: DICER1 is on the minus strand). VCF-style: chr14-95094095-G-C. GRCh37 (hg19) VCF-style: chr14-95560432-G-C.
Other names: c.5157C>G, p.His1719Gln (NM_001195573.1, NM_001271282.3, NM_001291628.2 and 1 more transcripts); short protein forms H1719Q.
Identifiers: ClinVar variation 970510 (VCV000970510.4), dbSNP rs1890094427, ClinGen allele CA390865318.